The following is an entry in ClinVar:

NM_000218.3(KCNQ1):c.290G>C (p.Arg97Pro)

Gene: KCNQ1 (potassium voltage-gated channel subfamily Q member 1; plus strand). Cytogenetic location: 11p15.5.
Variant type: single nucleotide variant.
Coding change: c.290G>C on transcript NM_000218.3 (MANE Select); coding-DNA position 290, G replaced by C.
Protein change: p.Arg97Pro; replaces arginine 97 with proline.
Molecular consequence: missense variant. On other transcripts: 5 prime UTR variant (1).
Genome position (GRCh38, 1-based): chr11:2,445,388, G>C. VCF-style: chr11-2445388-G-C. GRCh37 (hg19) VCF-style: chr11-2466618-G-C.
Other names: c.290G>C, p.Arg97Pro (NM_001406836.1, NM_001406838.1); c.-73G>C (NM_001406837.1); short protein forms R97P.
Identifiers: ClinVar variation 3767600 (VCV003767600.1).

ClinVar aggregate classification (germline): Uncertain significance (1 of 4 stars; one submission).

Submission:

GeneDx
Classification: Uncertain significance. Last evaluated: 2024-09-05. Review status: criteria provided, single submitter. Criteria: GeneDx Variant Classification Process June 2021. Collection method: clinical testing. Allele origin: germline. Affected: yes.
Comment: Has not been previously published as pathogenic or benign to our knowledge; Not observed at significant frequency in large population cohorts (gnomAD); In silico analysis supports that this missense variant has a deleterious effect on protein structure/function